The following is an entry in ClinVar:

ClinVar aggregate classification (germline): Uncertain significance (1 of 4 stars; one submission).

Allele frequency attached by ClinVar (database versions not stated): TOPMed below 0.00001; ExAC 0.00001; gnomAD 0.00001; gnomAD exomes 0.00001.
gnomAD v4.1: 9 of 1,614,068 alleles (0.00056%); highest among the groups gnomAD compares: South Asian, 0.0033%; no homozygotes.

Submission:

Labcorp Genetics (formerly Invitae), Labcorp
Classification: Uncertain significance. Last evaluated: 2025-02-10. Review status: criteria provided, single submitter. Criteria: Invitae Variant Classification Sherloc (09022015). Collection method: clinical testing. Allele origin: germline.
Comment: This sequence change replaces arginine, which is basic and polar, with histidine, which is basic and polar, at codon 1955 of the MTOR protein (p.Arg1955His). This variant is present in population databases (rs764065027, gnomAD 0.003%). This variant has not been reported in the literature in individuals affected with MTOR-related conditions. ClinVar contains an entry for this variant (Variation ID: 1039539). Invitae Evidence Modeling of protein sequence and biophysical properties (such as structural, functional, and spatial information, amino acid conservation, physicochemical variation, residue mobility, and thermodynamic stability) indicates that this missense variant is not expected to disrupt MTOR protein function with a negative predictive value of 95%. In summary, the available evidence is currently insufficient to determine the role of this variant in disease. Therefore, it has been classified as a Variant of Uncertain Significance.

NM_004958.4(MTOR):c.5864G>A (p.Arg1955His)

Gene: MTOR (mechanistic target of rapamycin kinase; minus strand). Cytogenetic location: 1p36.22.
Variant type: single nucleotide variant.
Coding change: c.5864G>A on transcript NM_004958.4 (MANE Select); coding-DNA position 5864, G replaced by A.
Protein change: p.Arg1955His; replaces arginine 1955 with histidine.
Molecular consequence: missense variant.
Genome position (GRCh38, 1-based): chr1:11,128,500, C>T on the plus strand (G>A on the coding strand, the complement: MTOR is on the minus strand). VCF-style: chr1-11128500-C-T. GRCh37 (hg19) VCF-style: chr1-11188557-C-T.
Other names: c.5864G>A, p.Arg1955His (NM_001386500.1); c.4616G>A, p.Arg1539His (NM_001386501.1); short protein forms R1955H, R1539H.
Identifiers: ClinVar variation 1039539 (VCV001039539.8), dbSNP rs764065027, ClinGen allele CA589227.